The following is an entry in ClinVar:

NM_001692.4(ATP6V1B1):c.28G>A (p.Gly10Arg)

Gene: ATP6V1B1 (ATPase H+ transporting V1 subunit B1; plus strand). Cytogenetic location: 2p13.3.
Variant type: single nucleotide variant.
Coding change: c.28G>A on transcript NM_001692.4 (MANE Select); coding-DNA position 28, G replaced by A.
Protein change: p.Gly10Arg; replaces glycine 10 with arginine.
Molecular consequence: missense variant.
Genome position (GRCh38, 1-based): chr2:70,935,982, G>A. VCF-style: chr2-70935982-G-A. GRCh37 (hg19) VCF-style: chr2-71163112-G-A.
Other names: short protein forms G10R.
Identifiers: ClinVar variation 5002438 (VCV005002438.1).
Genomic context (GRCh38, chr2:70,935,982, plus strand): 5'-TCAGACACTGGGCTCCCAGCTGGGGACTGCTCCATGGCCATGGAGATAGACAGCAGGCCT[G>A]GGGGGCTCCCCGGCAGTAGCTGCAACCTAGGTGCAGCCCGAGAACACATGCAGGCGGTCA-3'
Protein context (NP_001683.2, residues 1-20): MAMEIDSRP[Gly10Arg]GLPGSSCNLG

ClinVar aggregate classification (germline): Uncertain significance (1 of 4 stars; one submission).

Conditions:
ATP6V1B1-related disorder. Also called: ATP6V1B1-related condition.

gnomAD v4.1: 1 of 1,613,240 alleles (0.000062%); highest among the groups gnomAD compares: Non-Finnish European, 0.000085%; no homozygotes.

Submission:

PreventionGenetics, part of Exact Sciences
Classification: Uncertain significance for ATP6V1B1-related condition. Last evaluated: 2025-12-31. Review status: criteria provided, single submitter. Criteria: ACMG Guidelines, 2015. Collection method: clinical testing. Allele origin: germline.
Comment: The ATP6V1B1 c.28G>A variant is predicted to result in the amino acid substitution p.Gly10Arg. To our knowledge, this variant has not been reported in the literature or in a large population database (gnomAD), indicating this variant is rare. At this time, the clinical significance of this variant is uncertain due to the absence of conclusive functional and genetic evidence.